The following is an entry in ClinVar:

NM_001111.5(ADAR):c.2879A>G (p.Tyr960Cys)

Gene: ADAR (adenosine deaminase RNA specific; minus strand). Cytogenetic location: 1q21.3.
Variant type: single nucleotide variant.
Coding change: c.2879A>G on transcript NM_001111.5 (MANE Select); coding-DNA position 2879, A replaced by G.
Protein change: p.Tyr960Cys; replaces tyrosine 960 with cysteine.
Molecular consequence: missense variant.
Genome position (GRCh38, 1-based): chr1:154,588,557, T>C on the plus strand (A>G on the coding strand, the complement: ADAR is on the minus strand). VCF-style: chr1-154588557-T-C. GRCh37 (hg19) VCF-style: chr1-154561033-T-C.
Other names: c.1994A>G, p.Tyr665Cys (NM_001025107.3, NM_001193495.2, NM_001365046.1 and 2 more transcripts); c.2906A>G, p.Tyr969Cys (NM_001365045.1); c.1916A>G, p.Tyr639Cys (NM_001365049.1); c.2801A>G, p.Tyr934Cys (NM_015840.4); c.2744A>G, p.Tyr915Cys (NM_015841.4); short protein forms Y915C, Y960C, Y969C, Y639C, Y665C, Y934C.
Identifiers: ClinVar variation 2202846 (VCV002202846.4), dbSNP rs2526492772, ClinGen allele CA342636241.

ClinVar aggregate classification (germline): Uncertain significance (1 of 4 stars; one submission).

Conditions:
Symmetrical dyschromatosis of extremities (DSH). Also called: RETICULATE ACROPIGMENTATION OF DOHI; SYMMETRIC DYSCHROMATOSIS OF THE EXTREMITIES; Dyschromatosis symmetrica hereditaria; DYSCHROMATOSIS SYMMETRICA HEREDITARIA 1. Identifiers: Orphanet 41, MedGen C0406775, MONDO:0007483, OMIM 127400.
Aicardi-Goutieres syndrome 6 (AGS6). Identifiers: Orphanet 51, MedGen C3539013, MONDO:0014007, OMIM 615010.

Allele frequency attached by ClinVar (database versions not stated): gnomAD exomes below 0.00001.
gnomAD v4.1: 1 of 1,614,010 alleles (0.000062%); highest among the groups gnomAD compares: Non-Finnish European, 0.000085%; no homozygotes.

Submission:

Labcorp Genetics (formerly Invitae), Labcorp
Classification: Uncertain significance for Aicardi-Goutieres syndrome 6; Symmetrical dyschromatosis of extremities. Last evaluated: 2022-07-24. Review status: criteria provided, single submitter. Criteria: Invitae Variant Classification Sherloc (09022015). Collection method: clinical testing. Allele origin: germline.
Comment: This sequence change replaces tyrosine, which is neutral and polar, with cysteine, which is neutral and slightly polar, at codon 960 of the ADAR protein (p.Tyr960Cys). This variant is not present in population databases (gnomAD no frequency). This missense change has been observed in individual(s) with dyschromatosis symmetrica hereditaria (PMID: 15347341). Algorithms developed to predict the effect of missense changes on protein structure and function (SIFT, PolyPhen-2, Align-GVGD) all suggest that this variant is likely to be disruptive. In summary, the available evidence is currently insufficient to determine the role of this variant in disease. Therefore, it has been classified as a Variant of Uncertain Significance.

Literature cited by the submitters: PubMed 15347341.